The following is an entry in ClinVar:

NM_001042492.3(NF1):c.3793G>T (p.Val1265Leu)

Gene: NF1 (neurofibromin 1; plus strand). Cytogenetic location: 17q11.2.
Variant type: single nucleotide variant.
Coding change: c.3793G>T on transcript NM_001042492.3 (MANE Select); coding-DNA position 3793, G replaced by T.
Protein change: p.Val1265Leu; replaces valine 1265 with leucine.
Molecular consequence: missense variant.
Genome position (GRCh38, 1-based): chr17:31,235,695, G>T. VCF-style: chr17-31235695-G-T. GRCh37 (hg19) VCF-style: chr17-29562713-G-T.
Other names: c.3793G>T, p.Val1265Leu (NM_000267.4); short protein forms V1265L.
Identifiers: ClinVar variation 1362726 (VCV001362726.9), dbSNP rs2151437905, ClinGen allele CA398992626.

ClinVar aggregate classification (germline): Uncertain significance. Review status: criteria provided, multiple submitters, no conflicts (2 of 4 stars). 2 submissions from 2 submitters: Uncertain significance (2). Last evaluated 2023-04-30.

Conditions:
Hereditary cancer-predisposing syndrome. Also called: Hereditary Cancer Syndrome; Hereditary neoplastic syndrome; Tumor predisposition; Neoplastic Syndromes, Hereditary. Identifiers: Orphanet 140162, MedGen C0027672, MeSH D009386, MONDO:0015356.
Cardiovascular phenotype. Identifiers: MedGen CN230736.
Neurofibromatosis, type 1 (NF1). Also called: NEUROFIBROMATOSIS, TYPE I, SOMATIC; VON RECKLINGHAUSEN DISEASE; Neurofibromatosis, type I; Peripheral type neurofibromatosis. Identifiers: Orphanet 636, MedGen C0027831, MONDO:0018975, OMIM 162200. Disease mechanism: loss of function.

Submissions (2):

Ambry Genetics
Classification: Uncertain significance for Cardiovascular phenotype; Hereditary cancer-predisposing syndrome. Last evaluated: 2023-04-30. Review status: criteria provided, single submitter. Criteria: Ambry Variant Classification Scheme 2023. Collection method: clinical testing. Allele origin: germline.
Comment: The p.V1265L variant (also known as c.3793G>T), located in coding exon 28 of the NF1 gene, results from a G to T substitution at nucleotide position 3793. The valine at codon 1265 is replaced by leucine, an amino acid with highly similar properties. This amino acid position is conserved. In addition, this alteration is predicted to be deleterious by in silico analysis. Since supporting evidence is limited at this time, the clinical significance of this alteration remains unclear.

Labcorp Genetics (formerly Invitae), Labcorp
Classification: Uncertain significance for Neurofibromatosis, type 1. Last evaluated: 2021-06-20. Review status: criteria provided, single submitter. Criteria: Invitae Variant Classification Sherloc (09022015). Collection method: clinical testing. Allele origin: germline.
Comment: In summary, the available evidence is currently insufficient to determine the role of this variant in disease. Therefore, it has been classified as a Variant of Uncertain Significance. Advanced modeling of protein sequence and biophysical properties (such as structural, functional, and spatial information, amino acid conservation, physicochemical variation, residue mobility, and thermodynamic stability) performed at Invitae indicates that this missense variant is expected to disrupt NF1 protein function. This variant has not been reported in the literature in individuals with NF1-related conditions. This variant is not present in population databases (ExAC no frequency). This sequence change replaces valine with leucine at codon 1265 of the NF1 protein (p.Val1265Leu). The valine residue is moderately conserved and there is a small physicochemical difference between valine and leucine.